The following is an entry in ClinVar:

ClinVar aggregate classification (germline): Conflicting classifications of pathogenicity. Review status: criteria provided, conflicting classifications (1 of 4 stars). 2 submissions from 2 submitters: Uncertain significance (1); Likely benign (1). Last evaluated 2025-10-27.

Conditions:
Cardiovascular phenotype. Identifiers: MedGen CN230736.
Long QT syndrome (LQTS). Identifiers: MedGen C0023976, MeSH D008133, MONDO:0002442. Disease mechanism: loss of function. Inheritance: Various modes of inheritance.

Allele frequency attached by ClinVar (database versions not stated): gnomAD 0.00003 and 0.00004; ExAC 0.00005; gnomAD exomes 0.00005 and 0.00006; TOPMed 0.00005; ESP Exome Variant Server 0.00015.
gnomAD v4.1: 76 of 1,613,878 alleles (0.0047%); highest among the groups gnomAD compares: East Asian, 0.1%; no homozygotes.

Submissions (2):

Labcorp Genetics (formerly Invitae), Labcorp
Classification: Uncertain significance for Long QT syndrome. Last evaluated: 2025-10-27. Review status: criteria provided, single submitter. Criteria: Invitae Variant Classification Sherloc (09022015). Collection method: clinical testing. Allele origin: germline.
Comment: This sequence change replaces threonine, which is neutral and polar, with methionine, which is neutral and non-polar, at codon 2242 of the ANK2 protein (p.Thr2242Met). This variant is present in population databases (rs376408404, gnomAD 0.02%). This missense change has been observed in individual(s) with ANK2-related conditions (PMID: 29071820). ClinVar contains an entry for this variant (Variation ID: 216526). An algorithm developed to predict the effect of missense changes on protein structure and function (PolyPhen-2) suggests that this variant is likely to be disruptive. In summary, the available evidence is currently insufficient to determine the role of this variant in disease. Therefore, it has been classified as a Variant of Uncertain Significance.

Ambry Genetics
Classification: Likely benign for Cardiovascular phenotype. Last evaluated: 2024-03-31. Review status: criteria provided, single submitter. Criteria: Ambry Variant Classification Scheme 2023. Collection method: clinical testing. Allele origin: germline.

Literature cited by the submitters: PubMed 29071820 (cited by Labcorp Genetics (formerly Invitae), Labcorp).

NM_001148.6(ANK2):c.6725C>T (p.Thr2242Met)

Gene: ANK2 (ankyrin 2; plus strand). Cytogenetic location: 4q26.
Variant type: single nucleotide variant.
Coding change: c.6725C>T on transcript NM_001148.6 (MANE Select); coding-DNA position 6725, C replaced by T.
Protein change: p.Thr2242Met; replaces threonine 2242 with methionine.
Molecular consequence: missense variant. On other transcripts: intron variant (68).
Genome position (GRCh38, 1-based): chr4:113,355,343, C>T. VCF-style: chr4-113355343-C-T. GRCh37 (hg19) VCF-style: chr4-114276499-C-T.
Other names: c.6491C>T, p.Thr2164Met (NM_001386142.1); c.3125C>T, p.Thr1042Met (NM_001386166.1); c.6866C>T, p.Thr2289Met (NM_001386174.1); c.6842C>T, p.Thr2281Met (NM_001386175.1); c.4411+5094C>T (NM_001386186.2, NM_001386148.2); c.4213+5094C>T (NM_001354269.3); c.4291+5094C>T (NM_001386187.2); c.4252+5094C>T (NM_001386147.1); and 35 more; short protein forms T2242M, T1042M, T2164M, T2281M, T2289M.
Identifiers: ClinVar variation 216526 (VCV000216526.6), dbSNP rs376408404, ClinGen allele CA337994.